The following is an entry in ClinVar:

ClinVar aggregate classification (germline): Uncertain significance (1 of 4 stars; one submission).

Conditions:
Inborn genetic diseases. Identifiers: MedGen C0950123, MeSH D030342.

Submission:

Ambry Genetics
Classification: Uncertain significance for Inborn genetic diseases. Last evaluated: 2026-08-10. Review status: criteria provided, single submitter. Criteria: Ambry Variant Classification Scheme 2023. Collection method: clinical testing. Allele origin: germline.
Comment: The p.P63T variant (also known as c.187C>A), located in coding exon 1 of the SAMD9 gene, results from a C to A substitution at nucleotide position 187. The proline at codon 63 is replaced by threonine, an amino acid with highly similar properties. This amino acid position is conserved. In addition, this alteration is predicted to be tolerated by in silico analysis. Based on the available evidence, the clinical significance of this variant remains unclear.

NM_017654.4(SAMD9):c.187C>A (p.Pro63Thr)

Gene: SAMD9 (sterile alpha motif domain containing 9; minus strand). Cytogenetic location: 7q21.2.
Variant type: single nucleotide variant.
Coding change: c.187C>A on transcript NM_017654.4 (MANE Select); coding-DNA position 187, C replaced by A.
Protein change: p.Pro63Thr; replaces proline 63 with threonine.
Molecular consequence: missense variant.
Genome position (GRCh38, 1-based): chr7:93,105,911, G>T on the plus strand (C>A on the coding strand, the complement: SAMD9 is on the minus strand). VCF-style: chr7-93105911-G-T. GRCh37 (hg19) VCF-style: chr7-92735224-G-T.
Other names: c.187C>A, p.Pro63Thr (NM_001193307.2); short protein forms P63T.
Identifiers: ClinVar variation 5028785 (VCV005028785.1).